The following is an entry in ClinVar:

NM_001370259.2(MEN1):c.1255G>A (p.Gly419Ser)

Gene: MEN1 (menin 1; minus strand). Cytogenetic location: 11q13.1.
Variant type: single nucleotide variant.
Coding change: c.1255G>A on transcript NM_001370259.2 (MANE Select); coding-DNA position 1255, G replaced by A.
Protein change: p.Gly419Ser; replaces glycine 419 with serine.
Molecular consequence: missense variant.
Genome position (GRCh38, 1-based): chr11:64,805,129, C>T on the plus strand (G>A on the coding strand, the complement: MEN1 is on the minus strand). VCF-style: chr11-64805129-C-T. GRCh37 (hg19) VCF-style: chr11-64572601-C-T.
Other names: c.1270G>A, p.Gly424Ser (NM_000244.4, NM_001407145.1, NM_130800.3 and 4 more transcripts); c.1381G>A, p.Gly461Ser (NM_001370251.2, NM_001407142.1, NM_001407143.1 and 1 more transcripts); c.1255G>A, p.Gly419Ser (NM_001370260.2, NM_001370261.2, NM_001407146.1 and 2 more transcripts); c.1150G>A, p.Gly384Ser (NM_001370262.2, NM_001370263.2, NM_001407148.1 and 1 more transcripts); c.1396G>A, p.Gly466Ser (NM_001407150.1); c.1276G>A, p.Gly426Ser (NM_001407151.1); short protein forms G424S, G426S, G461S, G466S, G384S, G419S.
Identifiers: ClinVar variation 2155381 (VCV002155381.31), dbSNP rs2497144361, ClinGen allele CA381180501.

ClinVar aggregate classification (germline): Uncertain significance. Review status: criteria provided, multiple submitters, no conflicts (2 of 4 stars). 3 submissions from 3 submitters: Uncertain significance (3). Last evaluated 2026-04-01.

Conditions:
Multiple endocrine neoplasia, type 1 (MEN1). Also called: MEN I; WERMER SYNDROME; Endocrine adenomatosis multiple; MEN 1; MEA I. Identifiers: Orphanet 652, MedGen C0025267, MeSH D018761, MONDO:0007540, OMIM 131100.
Hereditary cancer-predisposing syndrome. Also called: Hereditary Cancer Syndrome; Neoplastic Syndromes, Hereditary; Hereditary neoplastic syndrome; Tumor predisposition. Identifiers: Orphanet 140162, MedGen C0027672, MeSH D009386, MONDO:0015356.

Submissions (3):

Ambry Genetics
Classification: Uncertain significance for Hereditary cancer-predisposing syndrome. Last evaluated: 2026-04-01. Review status: criteria provided, single submitter. Criteria: Ambry Variant Classification Scheme 2023. Collection method: clinical testing. Allele origin: germline.
Comment: The p.G419S variant (also known as c.1255G>A), located in coding exon 8 of the MEN1 gene, results from a G to A substitution at nucleotide position 1255. The glycine at codon 419 is replaced by serine, an amino acid with similar properties. This amino acid position is conserved. In addition, this alteration is predicted to be deleterious by in silico analysis. Since supporting evidence is limited at this time, the clinical significance of this alteration remains unclear.

Labcorp Genetics (formerly Invitae), Labcorp
Classification: Uncertain significance for Multiple endocrine neoplasia, type 1. Last evaluated: 2023-08-04. Review status: criteria provided, single submitter. Criteria: Invitae Variant Classification Sherloc (09022015). Collection method: clinical testing. Allele origin: germline.
Comment: In summary, the available evidence is currently insufficient to determine the role of this variant in disease. Therefore, it has been classified as a Variant of Uncertain Significance. This variant has not been reported in the literature in individuals affected with MEN1-related conditions. RNA analysis performed to evaluate the impact of this missense change on mRNA splicing indicates it does not significantly alter splicing (Invitae). Advanced modeling of protein sequence and biophysical properties (such as structural, functional, and spatial information, amino acid conservation, physicochemical variation, residue mobility, and thermodynamic stability) performed at Invitae indicates that this missense variant is expected to disrupt MEN1 protein function. ClinVar contains an entry for this variant (Variation ID: 2155381). This variant is not present in population databases (gnomAD no frequency). This sequence change replaces glycine, which is neutral and non-polar, with serine, which is neutral and polar, at codon 419 of the MEN1 protein (p.Gly419Ser).

CeGaT Center for Human Genetics Tuebingen
Classification: Uncertain significance. Last evaluated: 2022-08-01. Review status: criteria provided, single submitter. Criteria: CeGaT Center For Human Genetics Tuebingen Variant Classification Criteria Version 2. Collection method: clinical testing. Allele origin: germline. Affected: yes. Observed: 1 variant allele.
Comment: MEN1: PM2, PP2, PP3